The following is an entry in ClinVar:

ClinVar aggregate classification (germline): Uncertain significance. Review status: criteria provided, multiple submitters, no conflicts (2 of 4 stars). 2 submissions from 2 submitters: Uncertain significance (2). Last evaluated 2025-12-30.

Conditions:
TBX1-related disorder. Also called: TBX1-Related Disorders; TBX1-related condition.

gnomAD v4.1: 4 of 1,303,852 alleles (0.00031%); highest among the groups gnomAD compares: East Asian, 0.0065%; no homozygotes.

Submissions (2):

PreventionGenetics, part of Exact Sciences
Classification: Uncertain significance for TBX1-related condition. Last evaluated: 2025-12-30. Review status: criteria provided, single submitter. Criteria: ACMG Guidelines, 2015. Collection method: clinical testing. Allele origin: germline.
Comment: The TBX1 c.1129G>C variant is predicted to result in the amino acid substitution p.Gly377Arg. To our knowledge, this variant has not been reported in the literature or in a large population database (gnomAD), indicating this variant is rare. At this time, the clinical significance of this variant is uncertain due to the absence of conclusive functional and genetic evidence.

Blueprint Genetics
Classification: Uncertain significance. Last evaluated: 2020-01-23. Review status: criteria provided, single submitter. Criteria: ACMG Guidelines, 2015. Collection method: clinical testing. Allele origin: germline.

NM_001379200.1(TBX1):c.1156G>C (p.Gly386Arg)

Gene: TBX1 (T-box transcription factor 1; plus strand). Cytogenetic location: 22q11.21.
Variant type: single nucleotide variant.
Coding change: c.1156G>C on transcript NM_001379200.1 (MANE Select); coding-DNA position 1156, G replaced by C.
Protein change: p.Gly386Arg; replaces glycine 386 with arginine.
Molecular consequence: missense variant. On other transcripts: intron variant (2).
Genome position (GRCh38, 1-based): chr22:19,766,508, G>C. VCF-style: chr22-19766508-G-C. GRCh37 (hg19) VCF-style: chr22-19754031-G-C.
Other names: c.1129G>C, p.Gly377Arg (NM_080647.1); c.1009+506G>C (NM_005992.1, NM_080646.2); short protein forms G377R, G386R.
Identifiers: ClinVar variation 4946957 (VCV004946957.2).
Genomic context (GRCh38, chr22:19,766,508, plus strand): 5'-GACCCGGCGCATCCTCCGCAGCTGCTGGCCCGGGTGCTAAGCCCCTCGCTGCCCGGGGCC[G>C]GCGGCGCCGGCGGCTTAGTCCCGCTGCCCGGCGCGCCCGGAGGCCGGCCCAGTCCCCCGA-3'
Protein context (NP_001366129.1, residues 376-396): RVLSPSLPGA[Gly386Arg]GAGGLVPLPG